The following is an entry in ClinVar:

ClinVar aggregate classification (germline): Uncertain significance. Review status: criteria provided, multiple submitters, no conflicts (2 of 4 stars). 2 submissions from 2 submitters: Uncertain significance (2). Last evaluated 2018-09-17.

Conditions:
Charcot-Marie-Tooth disease type 2. Also called: Charcot-Marie-Tooth type 2. Identifiers: Orphanet 64746, MedGen C0270914, MONDO:0018993.

Submissions (2):

Labcorp Genetics (formerly Invitae), Labcorp
Classification: Uncertain significance for Charcot-Marie-Tooth disease type 2. Last evaluated: 2018-09-17. Review status: criteria provided, single submitter. Criteria: Invitae Variant Classification Sherloc (09022015). Collection method: clinical testing. Allele origin: germline.
Comment: In summary, the available evidence is currently insufficient to determine the role of this variant in disease. Therefore, it has been classified as a Variant of Uncertain Significance. Algorithms developed to predict the effect of missense changes on protein structure and function are either unavailable or do not agree on the potential impact of this missense change (SIFT: "Deleterious"; PolyPhen-2: "Benign"; Align-GVGD: "Class C0"). This variant has not been reported in the literature in individuals with MFN2-related disease. ClinVar contains an entry for this variant (Variation ID: 246335). This variant is not present in population databases (ExAC no frequency). This sequence change replaces glutamine with glutamic acid at codon 235 of the MFN2 protein (p.Gln235Glu). The glutamine residue is highly conserved and there is a small physicochemical difference between glutamine and glutamic acid.

GeneDx
Classification: Uncertain significance. Last evaluated: 2016-02-02. Review status: criteria provided, single submitter. Criteria: GeneDx Variant Classification (06012015). Collection method: clinical testing. Allele origin: germline. Affected: yes.
Comment: The Q235E variant has not been published as a pathogenic variant, nor has it been reported as a benign variant to our knowledge. It was not observed in approximately 6,500 individuals of European and African American ancestry in the NHLBI Exome Sequencing Project, indicating it is not a common benign variant in these populations. The Q235E variant is a semi-conservative amino acid substitution, which may impact secondary protein structure as these residues differ in some properties. This substitution alters a conserved position in the GTPase domain. However, in silico analysis is inconsistent in its predictions as to whether or not the variant is damaging to the protein structure/function

NM_014874.4(MFN2):c.703C>G (p.Gln235Glu)

Gene: MFN2 (mitofusin 2; plus strand). Cytogenetic location: 1p36.22.
Variant type: single nucleotide variant.
Coding change: c.703C>G on transcript NM_014874.4 (MANE Select); coding-DNA position 703, C replaced by G.
Protein change: p.Gln235Glu; replaces glutamine 235 with glutamic acid.
Molecular consequence: missense variant.
Genome position (GRCh38, 1-based): chr1:11,998,873, C>G. VCF-style: chr1-11998873-C-G. GRCh37 (hg19) VCF-style: chr1-12058930-C-G.
Other names: c.703C>G, p.Gln235Glu (NM_001127660.2); short protein forms Q235E.
Identifiers: ClinVar variation 246335 (VCV000246335.10), dbSNP rs879254210, ClinGen allele CA10584099.